The following is an entry in ClinVar:

NM_017635.5(KMT5B):c.913T>C (p.Cys305Arg)

Gene: KMT5B (lysine methyltransferase 5B; minus strand). Cytogenetic location: 11q13.2.
Variant type: single nucleotide variant.
Coding change: c.913T>C on transcript NM_017635.5 (MANE Select); coding-DNA position 913, T replaced by C.
Protein change: p.Cys305Arg; replaces cysteine 305 with arginine.
Molecular consequence: missense variant. On other transcripts: non-coding transcript variant (3).
Genome position (GRCh38, 1-based): chr11:68,171,079, A>G on the plus strand (T>C on the coding strand, the complement: KMT5B is on the minus strand). VCF-style: chr11-68171079-A-G. GRCh37 (hg19) VCF-style: chr11-67938546-A-G.
Other names: c.397T>C, p.Cys133Arg (NM_001300907.1, NM_001369424.1, NM_001369428.1 and 5 more transcripts); c.193T>C, p.Cys65Arg (NM_001300908.2); c.844T>C, p.Cys282Arg (NM_001300909.2); c.913T>C, p.Cys305Arg (NM_001363566.2, NM_001369426.1, NM_001369427.1 and 1 more transcripts); c.700T>C, p.Cys234Arg (NM_001369425.1); short protein forms C133R, C234R, C282R, C305R, C65R.
Identifiers: ClinVar variation 2498522 (VCV002498522.28), dbSNP rs2496380505, ClinGen allele CA381604865.
Genomic context (GRCh38, chr11:68,171,079, plus strand): 5'-CGCAAGTGTAACACTCGCAGAACTCATTATTTTCTCCAAAGAACCCATCTCCATAATAAC[A>G]AGAAATTTCTTCTCCAGGTTCAATGTCTCTTAGAGCCTTCACACATGCTGTATCTCGACC-3'
Protein context (NP_060105.3, residues 295-315): RDIEPGEEIS[Cys305Arg]YYGDGFFGEN

ClinVar aggregate classification (germline): Uncertain significance (1 of 4 stars; one submission).

Submission:

CeGaT Center for Human Genetics Tuebingen
Classification: Uncertain significance. Last evaluated: 2023-02-01. Review status: criteria provided, single submitter. Criteria: CeGaT Center For Human Genetics Tuebingen Variant Classification Criteria Version 2. Collection method: clinical testing. Allele origin: germline. Affected: yes. Observed: 1 variant allele.
Comment: KMT5B: PM2, PS2:Moderate, PP3